The following is an entry in ClinVar:

ClinVar aggregate classification (germline): Uncertain significance (1 of 4 stars; one submission).

Conditions:
Perlman syndrome (PRLMNS). Identifiers: Orphanet 2849, MedGen C0796113, MONDO:0009965, OMIM 267000.

Allele frequency attached by ClinVar (database versions not stated): gnomAD exomes below 0.00001; ExAC 0.00001.
gnomAD v4.1: 3 of 1,614,174 alleles (0.00019%); highest among the groups gnomAD compares: Non-Finnish European, 0.00025%; no homozygotes.

Submission:

Labcorp Genetics (formerly Invitae), Labcorp
Classification: Uncertain significance for Perlman syndrome. Last evaluated: 2023-05-08. Review status: criteria provided, single submitter. Criteria: Invitae Variant Classification Sherloc (09022015). Collection method: clinical testing. Allele origin: germline.
Comment: In summary, the available evidence is currently insufficient to determine the role of this variant in disease. Therefore, it has been classified as a Variant of Uncertain Significance. Advanced modeling of protein sequence and biophysical properties (such as structural, functional, and spatial information, amino acid conservation, physicochemical variation, residue mobility, and thermodynamic stability) performed at Invitae indicates that this missense variant is not expected to disrupt DIS3L2 protein function. ClinVar contains an entry for this variant (Variation ID: 1380719). This variant has not been reported in the literature in individuals affected with DIS3L2-related conditions. The frequency data for this variant in the population databases is considered unreliable, as metrics indicate poor data quality at this position in the gnomAD database. This sequence change replaces leucine, which is neutral and non-polar, with serine, which is neutral and polar, at codon 530 of the DIS3L2 protein (p.Leu530Ser).

NM_152383.5(DIS3L2):c.1589T>C (p.Leu530Ser)

Gene: DIS3L2 (DIS3 like 3'-5' exoribonuclease 2; plus strand). Cytogenetic location: 2q37.1.
Variant type: single nucleotide variant.
Coding change: c.1589T>C on transcript NM_152383.5 (MANE Select); coding-DNA position 1589, T replaced by C.
Protein change: p.Leu530Ser; replaces leucine 530 with serine.
Molecular consequence: missense variant. On other transcripts: non-coding transcript variant (2), intron variant (1).
Genome position (GRCh38, 1-based): chr2:232,263,370, T>C. VCF-style: chr2-232263370-T-C. GRCh37 (hg19) VCF-style: chr2-233128080-T-C.
Other names: c.1581+8T>C (NM_001257281.2); short protein forms L530S.
Identifiers: ClinVar variation 1380719 (VCV001380719.8), dbSNP rs761465422, ClinGen allele CA2164199.